The following is an entry in ClinVar:

ClinVar aggregate classification (germline): Uncertain significance. Review status: criteria provided, multiple submitters, no conflicts (2 of 4 stars). 2 submissions from 2 submitters: Uncertain significance (2). Last evaluated 2025-10-01.

Conditions:
DICER1-related tumor predisposition. Also called: DICER1 syndrome; DICER1-related pleuropulmonary blastoma cancer predisposition syndrome. Identifiers: Orphanet 284343, MedGen C3839822, MONDO:0100216.
Hereditary cancer-predisposing syndrome. Also called: Neoplastic Syndromes, Hereditary; Hereditary Cancer Syndrome; Hereditary neoplastic syndrome; Tumor predisposition. Identifiers: Orphanet 140162, MedGen C0027672, MeSH D009386, MONDO:0015356.

Submissions (2):

Ambry Genetics
Classification: Uncertain significance for Hereditary cancer-predisposing syndrome. Last evaluated: 2025-10-01. Review status: criteria provided, single submitter. Criteria: Ambry Variant Classification Scheme 2023. Collection method: clinical testing. Allele origin: germline.
Comment: The p.D1421G variant (also known as c.4262A>G), located in coding exon 22 of the DICER1 gene, results from an A to G substitution at nucleotide position 4262. The aspartic acid at codon 1421 is replaced by glycine, an amino acid with similar properties. This amino acid position is conserved. In addition, the in silico prediction for this alteration is inconclusive. Based on the available evidence, the clinical significance of this variant remains unclear.

Labcorp Genetics (formerly Invitae), Labcorp
Classification: Uncertain significance for DICER1-related tumor predisposition. Last evaluated: 2022-02-18. Review status: criteria provided, single submitter. Criteria: Invitae Variant Classification Sherloc (09022015). Collection method: clinical testing. Allele origin: germline.
Comment: Algorithms developed to predict the effect of sequence changes on RNA splicing suggest that this variant may create or strengthen a splice site. In summary, the available evidence is currently insufficient to determine the role of this variant in disease. Therefore, it has been classified as a Variant of Uncertain Significance. Algorithms developed to predict the effect of missense changes on protein structure and function are either unavailable or do not agree on the potential impact of this missense change (SIFT: "Deleterious"; PolyPhen-2: "Benign"; Align-GVGD: "Class C0"). ClinVar contains an entry for this variant (Variation ID: 850133). This variant has not been reported in the literature in individuals affected with DICER1-related conditions. This variant is not present in population databases (gnomAD no frequency). This sequence change replaces aspartic acid, which is acidic and polar, with glycine, which is neutral and non-polar, at codon 1421 of the DICER1 protein (p.Asp1421Gly).

NM_177438.3(DICER1):c.4262A>G (p.Asp1421Gly)

Gene: DICER1 (dicer 1, ribonuclease III; minus strand). Cytogenetic location: 14q32.13.
Variant type: single nucleotide variant.
Coding change: c.4262A>G on transcript NM_177438.3 (MANE Select); coding-DNA position 4262, A replaced by G.
Protein change: p.Asp1421Gly; replaces aspartic acid 1421 with glycine.
Molecular consequence: missense variant.
Genome position (GRCh38, 1-based): chr14:95,096,658, T>C on the plus strand (A>G on the coding strand, the complement: DICER1 is on the minus strand). VCF-style: chr14-95096658-T-C. GRCh37 (hg19) VCF-style: chr14-95562995-T-C.
Other names: c.4262A>G, p.Asp1421Gly (NM_001195573.1, NM_001271282.3, NM_001291628.2 and 1 more transcripts); short protein forms D1421G.
Identifiers: ClinVar variation 850133 (VCV000850133.12), dbSNP rs1890378553, ClinGen allele CA390869647.
Genomic context (GRCh38, chr14:95,096,658, plus strand): 5'-TCATCTTCATAGTCAGCCTCTTCCTTCGGAGCCCTCCACATCAGGCTCTCCTCCTCCTCA[T>C]CCTCCTCCTCGTAATCCTCATCCAGTTTGCCATTCGCCAGCATGCAGTCTTTTGTCTGAA-3'
Protein context (NP_803187.1, residues 1411-1431): GKLDEDYEEE[Asp1421Gly]EEEESLMWRA